The following is an entry in ClinVar:

ClinVar aggregate classification (germline): Uncertain significance (1 of 4 stars; one submission).

Allele frequency attached by ClinVar (database versions not stated): TOPMed below 0.00001; gnomAD 0.00001; ExAC 0.00002; ESP Exome Variant Server 0.00008.
gnomAD v4.1: 12 of 1,613,716 alleles (0.00074%); highest among the groups gnomAD compares: African/African-American, 0.0013%; no homozygotes.

Submission:

Labcorp Genetics (formerly Invitae), Labcorp
Classification: Uncertain significance. Last evaluated: 2022-08-01. Review status: criteria provided, single submitter. Criteria: Invitae Variant Classification Sherloc (09022015). Collection method: clinical testing. Allele origin: germline.
Comment: ClinVar contains an entry for this variant (Variation ID: 1375144). In summary, the available evidence is currently insufficient to determine the role of this variant in disease. Therefore, it has been classified as a Variant of Uncertain Significance. Algorithms developed to predict the effect of missense changes on protein structure and function are either unavailable or do not agree on the potential impact of this missense change (SIFT: "Tolerated"; PolyPhen-2: "Possibly Damaging"; Align-GVGD: "Class C0"). This variant has not been reported in the literature in individuals affected with DSG1-related conditions. This variant is present in population databases (rs371339794, gnomAD 0.007%). This sequence change replaces tyrosine, which is neutral and polar, with asparagine, which is neutral and polar, at codon 230 of the DSG1 protein (p.Tyr230Asn).

NM_001942.4(DSG1):c.688T>A (p.Tyr230Asn)

Gene: DSG1 (desmoglein 1; plus strand). Cytogenetic location: 18q12.1.
Variant type: single nucleotide variant.
Coding change: c.688T>A on transcript NM_001942.4 (MANE Select); coding-DNA position 688, T replaced by A.
Protein change: p.Tyr230Asn; replaces tyrosine 230 with asparagine.
Molecular consequence: missense variant.
Genome position (GRCh38, 1-based): chr18:31,333,592, T>A. VCF-style: chr18-31333592-T-A. GRCh37 (hg19) VCF-style: chr18-28913555-T-A.
Other names: short protein forms Y230N.
Identifiers: ClinVar variation 1375144 (VCV001375144.6), dbSNP rs371339794, ClinGen allele CA8925924.
Genomic context (GRCh38, chr18:31,333,592, plus strand): 5'-GACAAAGTAAAGGCTGTCTACGTCAAGTGTGATATTGCCTGTAATATGTATTTTTAGCAA[T>A]ACGGCCAGTATGCTCTTGCTGTAAGAGGCTCTGACCGAGATGGCGGGGCAGATGGCATGT-3'
Protein context (NP_001933.2, residues 220-240): TMNNFLDREQ[Tyr230Asn]GQYALAVRGS